The following is an entry in ClinVar:

ClinVar aggregate classification (germline): Benign. Review status: criteria provided, multiple submitters, no conflicts (2 of 4 stars). 9 submissions from 9 submitters: Benign (6). 3 of the submissions do not count toward it. Last evaluated 2026-02-04.

Conditions:
Bilateral frontoparietal polymicrogyria. Also called: CORTICAL DYSPLASIA, COMPLEX, WITH OTHER BRAIN MALFORMATIONS 14A (BILATERAL FRONTOPARIETAL); CEREBELLAR ATAXIA WITH NEURONAL MIGRATION DEFECT. Identifiers: Orphanet 101070, MedGen C1847352, MONDO:0011738, OMIM 606854.

Allele frequency attached by ClinVar (database versions not stated): 1000 Genomes Project 30x 0.29044; 1000 Genomes Project 0.29093; ESP Exome Variant Server 0.36696; gnomAD 0.36777 and 0.37206; TOPMed 0.36877.
gnomAD v4.1: 662,495 of 1,613,080 alleles (41%); highest among the groups gnomAD compares: Admixed American, 50%; 140,326 homozygotes.

Submissions (9):

Labcorp Genetics (formerly Invitae), Labcorp
Classification: Benign. Last evaluated: 2026-02-04. Review status: criteria provided, single submitter. Criteria: Invitae Variant Classification Sherloc (09022015). Collection method: clinical testing. Allele origin: germline.

Blueprint Genetics
Classification: Benign. Last evaluated: 2024-11-27. Review status: criteria provided, single submitter. Criteria: ACMG Guidelines, 2015. Collection method: clinical testing. Allele origin: germline.

Genome-Nilou Lab
Classification: Benign for Bilateral frontoparietal polymicrogyria. Last evaluated: 2021-07-10. Review status: criteria provided, single submitter. Criteria: ACMG Guidelines, 2015. Collection method: clinical testing. Allele origin: germline. Affected: no.

GeneDx
Classification: Benign. Last evaluated: 2015-03-03. Review status: criteria provided, single submitter. Criteria: GeneDx Variant Classification Process June 2021. Collection method: clinical testing. Allele origin: germline. Affected: yes.

Breakthrough Genomics
Classification: Benign. Review status: criteria provided, single submitter. Criteria: ACMG Guidelines, 2015. Collection method: not provided. Allele origin: germline. Inheritance: Autosomal recessive inheritance. Affected: yes.

PreventionGenetics, part of Exact Sciences
Classification: Benign. Review status: criteria provided, single submitter. Criteria: ACMG Guidelines, 2015. Collection method: clinical testing. Allele origin: germline.

Clinical Genetics DNA and cytogenetics Diagnostics Lab, Erasmus MC, Erasmus Medical Center
Classification: Benign. Review status: no assertion criteria provided. Collection method: clinical testing. Allele origin: germline. Affected: yes. Study: VKGL Data-share Consensus. Not counted in ClinVar's aggregate classification.

Diagnostic Laboratory, Department of Genetics, University Medical Center Groningen
Classification: Benign. Review status: no assertion criteria provided. Collection method: clinical testing. Allele origin: germline. Affected: yes. Study: VKGL Data-share Consensus. Not counted in ClinVar's aggregate classification.

Genetic Services Laboratory, University of Chicago
Classification: Likely benign. Review status: no assertion criteria provided. Collection method: clinical testing. Allele origin: germline. Inheritance: Autosomal recessive inheritance. Not counted in ClinVar's aggregate classification.
Comment: Likely benign based on allele frequency in 1000 Genomes Project or ESP global frequency and its presence in a patient with a rare or unrelated disease phenotype. NOT Sanger confirmed

NM_201525.4(ADGRG1):c.1168-20C>A

Gene: ADGRG1 (adhesion G protein-coupled receptor G1; plus strand). Cytogenetic location: 16q21.
Variant type: single nucleotide variant.
Coding change: c.1168-20C>A on transcript NM_201525.4 (MANE Select); 20 bases into the intron before coding-DNA position 1168, C replaced by A.
Molecular consequence: intron variant.
Genome position (GRCh38, 1-based): chr16:57,657,353, C>A. VCF-style: chr16-57657353-C-A. GRCh37 (hg19) VCF-style: chr16-57691265-C-A.
Other names: c.1168-20C>A (NM_001370440.1, NM_001370428.1, NM_001370436.1 and 14 more transcripts); c.658-20C>A (NM_001290142.2); c.643-20C>A (NM_001370451.1, NM_001290143.2, NM_001370453.1 and 2 more transcripts); c.1165-20C>A (NM_001370434.1, NM_001370441.1); c.1012-20C>A (NM_001370442.1); c.1183-20C>A (NM_001370433.1, NM_001145773.3).
Identifiers: ClinVar variation 158615 (VCV000158615.26), dbSNP rs2305309, ClinGen allele CA172245.